The following is an entry in ClinVar:

ClinVar aggregate classification (germline): Uncertain significance (1 of 4 stars; one submission).

Conditions:
Hereditary breast ovarian cancer syndrome. Also called: Hereditary breast and ovarian cancer syndrome; Hereditary breast and ovarian cancer syndrome (HBOC); BRCA1- and BRCA2-Associated Hereditary Breast and Ovarian Cancer; Hereditary breast and ovarian cancer; Breast and ovarian cancer; Hereditary breast and/or ovarian cancer syndrome. Identifiers: Orphanet 145, MedGen C0677776, MeSH D061325, MONDO:0003582. Disease mechanism: loss of function.

Submission:

Labcorp Genetics (formerly Invitae), Labcorp
Classification: Uncertain significance for Hereditary breast ovarian cancer syndrome. Last evaluated: 2025-05-27. Review status: criteria provided, single submitter. Criteria: Invitae Variant Classification Sherloc (09022015). Collection method: clinical testing. Allele origin: germline.
Comment: This sequence change replaces glycine, which is neutral and non-polar, with serine, which is neutral and polar, at codon 2044 of the BRCA2 protein (p.Gly2044Ser). This variant is not present in population databases (gnomAD no frequency). This variant has not been reported in the literature in individuals affected with BRCA2-related conditions. ClinVar contains an entry for this variant (Variation ID: 2771109). Invitae Evidence Modeling of protein sequence and biophysical properties (such as structural, functional, and spatial information, amino acid conservation, physicochemical variation, residue mobility, and thermodynamic stability) indicates that this missense variant is not expected to disrupt BRCA2 protein function with a negative predictive value of 95%. In summary, the available evidence is currently insufficient to determine the role of this variant in disease. Therefore, it has been classified as a Variant of Uncertain Significance.

NM_000059.4(BRCA2):c.6130G>A (p.Gly2044Ser)

Gene: BRCA2 (BRCA2 DNA repair associated; plus strand). Cytogenetic location: 13q13.1.
Variant type: single nucleotide variant.
Coding change: c.6130G>A on transcript NM_000059.4 (MANE Select); coding-DNA position 6130, G replaced by A.
Protein change: p.Gly2044Ser; replaces glycine 2044 with serine.
Molecular consequence: missense variant. On other transcripts: non-coding transcript variant (1), intron variant (2).
Genome position (GRCh38, 1-based): chr13:32,340,485, G>A. VCF-style: chr13-32340485-G-A. GRCh37 (hg19) VCF-style: chr13-32914622-G-A.
Other names: c.6130G>A, p.Gly2044Ser (NM_001406719.1, NM_001406720.1); c.1910-4073G>A (NM_001406721.1); c.425-4073G>A (NM_001406722.1); short protein forms G2044S.
Identifiers: ClinVar variation 2771109 (VCV002771109.3), dbSNP rs1593907627, ClinGen allele CA387788202.
Genomic context (GRCh38, chr13:32,340,485, plus strand): 5'-CAGCTCACAAGAGAAGAAAATACTGCTATACGTACTCCAGAACATTTAATATCCCAAAAA[G>A]GCTTTTCATATAATGTGGTAAATTCATCTGCTTTCTCTGGATTTAGTACAGCAAGTGGAA-3'
Protein context (NP_000050.3, residues 2034-2054): RTPEHLISQK[Gly2044Ser]FSYNVVNSSA